The following is an entry in ClinVar:

NM_001101426.4(CRPPA):c.532G>A (p.Gly178Arg)

Gene: CRPPA (CDP-L-ribitol pyrophosphorylase A; minus strand). Cytogenetic location: 7p21.2.
Variant type: single nucleotide variant.
Coding change: c.532G>A on transcript NM_001101426.4 (MANE Select); coding-DNA position 532, G replaced by A.
Protein change: p.Gly178Arg; replaces glycine 178 with arginine.
Molecular consequence: missense variant. On other transcripts: non-coding transcript variant (1).
Genome position (GRCh38, 1-based): chr7:16,406,063, C>T on the plus strand (G>A on the coding strand, the complement: CRPPA is on the minus strand). VCF-style: chr7-16406063-C-T. GRCh37 (hg19) VCF-style: chr7-16445688-C-T.
Other names: p.Gly178Arg; c.532G>A, p.Gly178Arg (NM_001101417.4, NM_001368197.1); short protein forms G178R.
Identifiers: ClinVar variation 282161 (VCV000282161.29), dbSNP rs202108204, ClinGen allele CA4169590.

ClinVar aggregate classification (germline): Uncertain significance. Review status: criteria provided, multiple submitters, no conflicts (2 of 4 stars). 10 submissions from 10 submitters: Uncertain significance (9). 1 of the submissions does not count toward it. Last evaluated 2026-01-01.

Conditions:
Congenital Muscular Dystrophy, alpha-dystroglycan related.
CRPPA-related disorder.
Muscular dystrophy-dystroglycanopathy (congenital with brain and eye anomalies), type A, 7. Also called: WALKER-WARBURG SYNDROME OR MUSCLE-EYE-BRAIN DISEASE, ISPD-RELATED; Congenital muscular dystrophy-dystroglycanopathy with brain and eye anomalies, type A7. Identifiers: Orphanet 899, MedGen C3553330, MONDO:0013835, OMIM 614643.
Autosomal recessive limb-girdle muscular dystrophy type 2U. Also called: Muscular dystrophy-dystroglycanopathy (limb-girdle), type c, 7; MUSCULAR DYSTROPHY, LIMB-GIRDLE, TYPE 2U. Identifiers: Orphanet 352479, MedGen C5190987, MONDO:0014474, OMIM 616052.

Allele frequency attached by ClinVar (database versions not stated): gnomAD 0.00011; TOPMed 0.00014; gnomAD exomes 0.00016 and 0.00017; ExAC 0.00017; ESP Exome Variant Server 0.00033.
gnomAD v4.1: 251 of 1,612,486 alleles (0.016%); highest among the groups gnomAD compares: Non-Finnish European, 0.017%; no homozygotes.

Submissions (10):

CeGaT Center for Human Genetics Tuebingen
Classification: Uncertain significance. Last evaluated: 2026-01-01. Review status: criteria provided, single submitter. Criteria: CeGaT Center For Human Genetics Tuebingen Variant Classification Criteria Version 2. Collection method: clinical testing. Allele origin: germline. Affected: yes. Observed: 1 variant allele.
Comment: CRPPA: PM2

Labcorp Genetics (formerly Invitae), Labcorp
Classification: Uncertain significance for Muscular dystrophy-dystroglycanopathy (congenital with brain and eye anomalies), type A, 7; Autosomal recessive limb-girdle muscular dystrophy type 2U. Last evaluated: 2025-01-06. Review status: criteria provided, single submitter. Criteria: Invitae Variant Classification Sherloc (09022015). Collection method: clinical testing. Allele origin: germline.
Comment: This sequence change replaces glycine, which is neutral and non-polar, with arginine, which is basic and polar, at codon 178 of the ISPD protein (p.Gly178Arg). This variant is present in population databases (rs202108204, gnomAD 0.08%). This variant has not been reported in the literature in individuals affected with ISPD-related conditions. ClinVar contains an entry for this variant (Variation ID: 282161). An algorithm developed to predict the effect of missense changes on protein structure and function (PolyPhen-2) suggests that this variant is likely to be disruptive. In summary, the available evidence is currently insufficient to determine the role of this variant in disease. Therefore, it has been classified as a Variant of Uncertain Significance.

Ambry Genetics
Classification: Uncertain significance. Last evaluated: 2024-11-08. Review status: criteria provided, single submitter. Criteria: Ambry Variant Classification Scheme 2023. Collection method: clinical testing. Allele origin: germline.

Revvity Omics, Revvity
Classification: Uncertain significance. Last evaluated: 2024-03-15. Review status: criteria provided, single submitter. Criteria: ACMG Guidelines, 2015. Collection method: clinical testing. Allele origin: germline.

GeneDx
Classification: Uncertain significance. Last evaluated: 2021-05-24. Review status: criteria provided, single submitter. Criteria: GeneDx Variant Classification Process June 2021. Collection method: clinical testing. Allele origin: germline. Affected: yes.
Comment: In silico analysis supports that this missense variant has a deleterious effect on protein structure/function; Has not been previously published as pathogenic or benign to our knowledge; This variant is associated with the following publications: (PMID: 30564623)

Mayo Clinic Laboratories, Mayo Clinic
Classification: Uncertain significance. Last evaluated: 2018-12-10. Review status: criteria provided, single submitter. Criteria: ACMG Guidelines, 2015. Collection method: clinical testing. Allele origin: germline. Observed: 1 variant allele.

Illumina Laboratory Services, Illumina
Classification: Uncertain significance for Congenital Muscular Dystrophy, alpha-dystroglycan related. Last evaluated: 2018-01-13. Review status: criteria provided, single submitter. Criteria: ICSL Variant Classification Criteria 13 December 2019. Collection method: clinical testing. Allele origin: germline.

Eurofins Ntd Llc (ga)
Classification: Uncertain significance. Last evaluated: 2016-09-21. Review status: criteria provided, single submitter. Criteria: EGL Classification Definitions 2015. Collection method: clinical testing. Allele origin: germline. Observed: 4 variant alleles, 4 heterozygotes.

Juno Genomics, Hangzhou Juno Genomics, Inc
Classification: Uncertain significance for Autosomal recessive limb-girdle muscular dystrophy type 2U. Review status: criteria provided, single submitter. Criteria: ACMG Guidelines, 2015. Collection method: clinical testing. Allele origin: germline. Affected: yes.
Comment: Absent from controls (or at extremely low frequency if recessive) in Genome Aggregation Database, Exome Sequencing Project, 1000 Genomes Project, or Exome Aggregation Consortium.;Multiple lines of computational evidence support a deleterious effect on the gene or gene product (conservation, evolutionary, splicing impact, etc).;Patient's phenotype or family history is highly specific for a disease with a single genetic etiology.

PreventionGenetics, part of Exact Sciences
Classification: Uncertain significance for CRPPA-related condition. Last evaluated: 2024-03-22. Review status: no assertion criteria provided. Collection method: clinical testing. Allele origin: germline. Not counted in ClinVar's aggregate classification.
Comment: The CRPPA c.532G>A variant is predicted to result in the amino acid substitution p.Gly178Arg. To our knowledge, this variant has not been reported in the literature. This variant is reported in 0.087% of alleles in individuals of Ashkenazi Jewish descent in gnomAD. At this time, the clinical significance of this variant is uncertain due to the absence of conclusive functional and genetic evidence.